The following is an entry in ClinVar:

ClinVar aggregate classification (germline): Uncertain significance (1 of 4 stars; one submission).

gnomAD v4.1: 3 of 1,613,640 alleles (0.00019%); highest among the groups gnomAD compares: Admixed American, 0.005%; no homozygotes.

Submission:

GeneDx
Classification: Uncertain significance. Last evaluated: 2024-10-31. Review status: criteria provided, single submitter. Criteria: GeneDx Variant Classification Process June 2021. Collection method: clinical testing. Allele origin: germline. Affected: yes.
Comment: In silico analysis indicates that this missense variant does not alter protein structure/function; Has not been previously published as pathogenic or benign to our knowledge

NM_001080476.3(GRXCR1):c.754G>T (p.Val252Leu)

Gene: GRXCR1 (glutaredoxin and cysteine rich domain containing 1; plus strand). Cytogenetic location: 4p13.
Variant type: single nucleotide variant.
Coding change: c.754G>T on transcript NM_001080476.3 (MANE Select); coding-DNA position 754, G replaced by T.
Protein change: p.Val252Leu; replaces valine 252 with leucine.
Molecular consequence: missense variant.
Genome position (GRCh38, 1-based): chr4:43,030,421, G>T. VCF-style: chr4-43030421-G-T. GRCh37 (hg19) VCF-style: chr4-43032438-G-T.
Other names: short protein forms V252L.
Identifiers: ClinVar variation 3897171 (VCV003897171.1).
Genomic context (GRCh38, chr4:43,030,421, plus strand): 5'-AGAGTACAGCATCCACATGAGTGTCCCTCTTGTGGAGGCTTTGGCTTTCTTCCATGCTCC[G>T]TGTGCCATGGGAGCAAGATGTCCATGTTTCGAAACTGCTTCACAGACTCTTTCAAAGCCC-3'
Protein context (NP_001073945.1, residues 242-262): CGGFGFLPCS[Val252Leu]CHGSKMSMFR